The following is an entry in ClinVar:

ClinVar aggregate classification (germline): Uncertain significance (1 of 4 stars; one submission).

gnomAD v4.1: 6 of 1,544,644 alleles (0.00039%); highest among the groups gnomAD compares: Non-Finnish European, 0.00052%; no homozygotes.

Submission:

GeneDx
Classification: Uncertain significance. Last evaluated: 2024-09-06. Review status: criteria provided, single submitter. Criteria: GeneDx Variant Classification Process June 2021. Collection method: clinical testing. Allele origin: germline. Affected: yes.
Comment: Not observed at significant frequency in large population cohorts (gnomAD); In silico analysis indicates that this missense variant does not alter protein structure/function; Has not been previously published as pathogenic or benign to our knowledge

NM_001009944.3(PKD1):c.1625A>C (p.Glu542Ala)

Gene: PKD1 (polycystin 1, transient receptor potential channel interacting; minus strand). Cytogenetic location: 16p13.3.
Variant type: single nucleotide variant.
Coding change: c.1625A>C on transcript NM_001009944.3 (MANE Select); coding-DNA position 1625, A replaced by C.
Protein change: p.Glu542Ala; replaces glutamic acid 542 with alanine.
Molecular consequence: missense variant.
Genome position (GRCh38, 1-based): chr16:2,116,626, T>G on the plus strand (A>C on the coding strand, the complement: PKD1 is on the minus strand). VCF-style: chr16-2116626-T-G. GRCh37 (hg19) VCF-style: chr16-2166627-T-G.
Other names: c.1625A>C, p.Glu542Ala (NM_000296.4); short protein forms E542A.
Identifiers: ClinVar variation 3767785 (VCV003767785.1).